The following is an entry in ClinVar:

NM_001042492.3(NF1):c.4828_4829delinsAT (p.Ala1610Ile)

Gene: NF1 (neurofibromin 1; plus strand). Cytogenetic location: 17q11.2.
Variant type: Indel.
Coding change: c.4828_4829delinsAT on transcript NM_001042492.3 (MANE Select); coding-DNA positions 4828 to 4829, GC replaced by AT.
Protein change: p.Ala1610Ile; replaces alanine 1610 with isoleucine.
Molecular consequence: missense variant.
Genome position (GRCh38, 1-based): chr17:31,265,332-31,265,333, GC replaced by AT. VCF-style: chr17-31265332-GC-AT. GRCh37 (hg19) VCF-style: chr17-29592350-GC-AT.
Other names: c.4765_4766delGCinsAT, p.Ala1589Ile (NM_000267.3); c.4765_4766delinsAT, p.Ala1589Ile (NM_000267.4); short protein forms A1589I, A1610I.
Identifiers: ClinVar variation 4849225 (VCV004849225.1).
Genomic context (GRCh38, chr17:31,265,332, plus strand): 5'-TTAAGTATTTTCTACCAAGCTGGGACTTCCAAAGCTGGGAATCCTATTTTTTATTATGTT[GC>AT]ACGGAGGTAAGAAATACTATGTTTTGGGTCTCTTAACAGAATTTTTTAAATTATAGCAAA-3'
Protein context (NP_001035957.1, residues 1600-1620): KAGNPIFYYV[Ala1610Ile]RRFKTGQING

ClinVar aggregate classification (germline): Likely pathogenic (1 of 4 stars; one submission).

Conditions:
Neurofibromatosis, type 1 (NF1). Also called: Neurofibromatosis, type I; Peripheral type neurofibromatosis; VON RECKLINGHAUSEN DISEASE; NEUROFIBROMATOSIS, TYPE I, SOMATIC. Identifiers: Orphanet 636, MedGen C0027831, MONDO:0018975, OMIM 162200. Disease mechanism: loss of function.

Submission:

Division of Genetic & Genomic Pathology, Hong Kong Children's Hospital
Classification: Likely pathogenic for Neurofibromatosis, type 1. Last evaluated: 2024-12-23. Review status: criteria provided, single submitter. Criteria: ACMG Guidelines, 2015. Collection method: clinical testing. Allele origin: de novo. Affected: yes.
Comment: NF1 c.4765_4766delinsAT p.(Ala1589Ile) is a missense variant located in exon 36 of NF1, which is a region of high missense constraint. The variant is absent from control populations (gnomAD v2.1.1 and v4.1.0) and has not been reported in clinical databases (ClinVar and HGMD Professional v2024.3) at the time of reporting. A missense variant in the same codon c.4766C>A p.(Ala1589Glu) has been previously reported in a patient with clinical neurofibromatosis I (PMID: 31573083). Targeted parental testing did not detect the NF1 variant in both parents and therefore the variant is assumed to be de novo.

Literature cited by the submitters: PubMed 31573083.